The following is an entry in ClinVar:

ClinVar aggregate classification (germline): Pathogenic/Likely pathogenic. Review status: criteria provided, multiple submitters, no conflicts (2 of 4 stars). 2 submissions from 2 submitters: Pathogenic (1); Likely pathogenic (1). Last evaluated 2023-07-10.

Conditions:
Pontocerebellar hypoplasia type 6 (PCH6). Identifiers: Orphanet 166073, MedGen C1969084, MONDO:0012683, OMIM 611523.

Submissions (2):

Baylor Genetics
Classification: Likely pathogenic for Pontocerebellar hypoplasia type 6. Last evaluated: 2023-07-10. Review status: criteria provided, single submitter. Criteria: ACMG Guidelines, 2015. Collection method: clinical testing. Allele origin: unknown.

Labcorp Genetics (formerly Invitae), Labcorp
Classification: Pathogenic. Last evaluated: 2022-05-22. Review status: criteria provided, single submitter. Criteria: Invitae Variant Classification Sherloc (09022015). Collection method: clinical testing. Allele origin: germline.
Comment: For these reasons, this variant has been classified as Pathogenic. This variant has not been reported in the literature in individuals affected with RARS2-related conditions. This variant is not present in population databases (gnomAD no frequency). This sequence change creates a premature translational stop signal (p.Leu440*) in the RARS2 gene. It is expected to result in an absent or disrupted protein product. Loss-of-function variants in RARS2 are known to be pathogenic (PMID: 17847012, 22569581, 26083569).

Literature cited by the submitters: PubMed 17847012 (cited by Labcorp Genetics (formerly Invitae), Labcorp); PubMed 22569581 (cited by Labcorp Genetics (formerly Invitae), Labcorp); PubMed 26083569 (cited by Labcorp Genetics (formerly Invitae), Labcorp).

NM_020320.5(RARS2):c.1319T>G (p.Leu440Ter)

Gene: RARS2 (arginyl-tRNA synthetase 2, mitochondrial; minus strand). Cytogenetic location: 6q15.
Variant type: single nucleotide variant.
Coding change: c.1319T>G on transcript NM_020320.5 (MANE Select); coding-DNA position 1319, T replaced by G.
Protein change: p.Leu440Ter; replaces leucine 440 with a stop codon.
Molecular consequence: nonsense. On other transcripts: non-coding transcript variant (23).
Genome position (GRCh38, 1-based): chr6:87,518,726, A>C on the plus strand (T>G on the coding strand, the complement: RARS2 is on the minus strand). VCF-style: chr6-87518726-A-C. GRCh37 (hg19) VCF-style: chr6-88228444-A-C.
Other names: c.794T>G, p.Leu265Ter (NM_001318785.2, NM_001350506.2, NM_001350507.2 and 4 more transcripts); c.1319T>G, p.Leu440Ter (NM_001350505.2); short protein forms L440*, L265*.
Identifiers: ClinVar variation 1994750 (VCV001994750.5), dbSNP rs2483085708, ClinGen allele CA364922741.